The following is an entry in ClinVar:

ClinVar aggregate classification (germline): Uncertain significance (1 of 4 stars; one submission).

Conditions:
Early-infantile DEE. Also called: Ohtahara syndrome; Early infantile epileptic encephalopathy; Early infantile epileptic encephalopathy with suppression bursts. Identifiers: Orphanet 1934, MedGen C0393706, MONDO:0800491.

Allele frequency attached by ClinVar (database versions not stated): TOPMed below 0.00001; ESP Exome Variant Server 0.00008.

Submission:

Labcorp Genetics (formerly Invitae), Labcorp
Classification: Uncertain significance for Early-infantile DEE. Last evaluated: 2025-11-05. Review status: criteria provided, single submitter. Criteria: Invitae Variant Classification Sherloc (09022015). Collection method: clinical testing. Allele origin: germline.
Comment: This sequence change replaces methionine, which is neutral and non-polar, with valine, which is neutral and non-polar, at codon 198 of the SPTAN1 protein (p.Met198Val). This variant is present in population databases (rs149228783, gnomAD 0.0009%). This variant has not been reported in the literature in individuals affected with SPTAN1-related conditions. ClinVar contains an entry for this variant (Variation ID: 1928907). Invitae Evidence Modeling of protein sequence and biophysical properties (such as structural, functional, and spatial information, amino acid conservation, physicochemical variation, residue mobility, and thermodynamic stability) has been performed for this missense variant. However, the output from this modeling did not meet the statistical confidence thresholds required to predict the impact of this variant on SPTAN1 protein function. In summary, the available evidence is currently insufficient to determine the role of this variant in disease. Therefore, it has been classified as a Variant of Uncertain Significance.

NM_001130438.3(SPTAN1):c.592A>G (p.Met198Val)

Gene: SPTAN1 (spectrin alpha, non-erythrocytic 1; plus strand). Cytogenetic location: 9q34.11.
Variant type: single nucleotide variant.
Coding change: c.592A>G on transcript NM_001130438.3 (MANE Select); coding-DNA position 592, A replaced by G.
Protein change: p.Met198Val; replaces methionine 198 with valine.
Molecular consequence: missense variant.
Genome position (GRCh38, 1-based): chr9:128,575,286, A>G. VCF-style: chr9-128575286-A-G. GRCh37 (hg19) VCF-style: chr9-131337565-A-G.
Other names: c.592A>G, p.Met198Val (NM_001195532.2, NM_001363759.2, NM_001363765.2 and 5 more transcripts); c.628A>G, p.Met210Val (NM_001375312.2, NM_001375318.1); short protein forms M210V, M198V.
Identifiers: ClinVar variation 1928907 (VCV001928907.5), dbSNP rs149228783, ClinGen allele CA200430473.
Genomic context (GRCh38, chr9:128,575,286, plus strand): 5'-GGCCAGGATCTGGAGCATGTAGAGGTTTTACAGAAGAAATTTGAAGAGTTTCAAACAGAT[A>G]TGGCTGCTCATGAAGAAAGAGTTAATGAAGTGAACCAGTTTGCTGCCAAACTCATACAGG-3'
Protein context (NP_001123910.1, residues 188-208): QKKFEEFQTD[Met198Val]AAHEERVNEV